The following is an entry in ClinVar:

ClinVar aggregate classification (germline): Uncertain significance (1 of 4 stars; one submission).

Conditions:
DHODH-related disorder. Also called: DHODH-related condition.

Submission:

PreventionGenetics, part of Exact Sciences
Classification: Uncertain significance for DHODH-related condition. Last evaluated: 2023-03-22. Review status: criteria provided, single submitter. Criteria: ACMG Guidelines, 2015. Collection method: clinical testing. Allele origin: germline.
Comment: The DHODH c.107delT variant is predicted to result in a frameshift and premature protein termination (p.Phe36Serfs*6). To our knowledge, this variant has not been reported in the literature or in a large population database, indicating this variant is rare. Frameshift variants in DHODH are a known mechanism of disease; however, to our knowledge there have been no frameshift variants upstream of this variant reported in the literature. Therefore, although we suspect that this variant may be pathogenic, at this time, the clinical significance of this variant is uncertain due to the absence of conclusive functional and genetic evidence.

NM_001361.5(DHODH):c.107del (p.Phe36fs)

Gene: DHODH (dihydroorotate dehydrogenase (quinone); plus strand). Cytogenetic location: 16q22.2.
Variant type: Deletion.
Coding change: c.107del on transcript NM_001361.5 (MANE Select); coding-DNA position 107, one base deleted (T; older notation c.107delT).
Protein change: p.Phe36fs; shifts the reading frame from phenylalanine 36.
Molecular consequence: frameshift variant.
Genome position (GRCh38, 1-based): chr16:72,012,135, T deleted; the last of 3 consecutive T bases (chr16:72,012,133-72,012,135); deleting any one gives the same sequence. VCF-style (leftmost placement, unchanged base first): chr16-72012132-GT-G. GRCh37 (hg19) VCF-style: chr16-72046031-GT-G.
Other names: short protein forms F36fs.
Identifiers: ClinVar variation 2633586 (VCV002633586.1), dbSNP rs2544393109, ClinGen allele CA2695197682.